The following is an entry in ClinVar:

NM_004393.6(DAG1):c.909G>C (p.Lys303Asn)

Gene: DAG1 (dystroglycan 1; plus strand). Cytogenetic location: 3p21.31.
Variant type: single nucleotide variant.
Coding change: c.909G>C on transcript NM_004393.6 (MANE Select); coding-DNA position 909, G replaced by C.
Protein change: p.Lys303Asn; replaces lysine 303 with asparagine.
Molecular consequence: missense variant.
Genome position (GRCh38, 1-based): chr3:49,531,420, G>C. VCF-style: chr3-49531420-G-C. GRCh37 (hg19) VCF-style: chr3-49568853-G-C.
Other names: c.909G>C, p.Lys303Asn (NM_001165928.4, NM_001177634.3, NM_001177635.3 and 9 more transcripts); short protein forms K303N.
Identifiers: ClinVar variation 1460562 (VCV001460562.8), dbSNP rs938467092, ClinGen allele CA352794352.

ClinVar aggregate classification (germline): Uncertain significance (1 of 4 stars; one submission).

Conditions:
Muscular dystrophy-dystroglycanopathy (congenital with brain and eye anomalies), type A9. Also called: Muscular dystrophy-dystroglycanopathy (congenital with brain and eye anomalies), type a, 9; WALKER-WARBURG SYNDROME OR MUSCLE-EYE BRAIN DISEASE, DAG1-RELATED. Identifiers: Orphanet 370997, Orphanet 899, MedGen C4225291, MONDO:0014683, OMIM 616538.
Autosomal recessive limb-girdle muscular dystrophy type 2P. Also called: MUSCULAR DYSTROPHY-DYSTROGLYCANOPATHY, LIMB-GIRDLE, DAG1-RELATED; Limb-Girdle Muscular Dystrophy Type 9C; MUSCULAR DYSTROPHY, LIMB-GIRDLE, TYPE 2P. Identifiers: Orphanet 280333, MedGen C4511963, MONDO:0013440, OMIM 613818.

Submission:

Labcorp Genetics (formerly Invitae), Labcorp
Classification: Uncertain significance for Autosomal recessive limb-girdle muscular dystrophy type 2P; Muscular dystrophy-dystroglycanopathy (congenital with brain and eye anomalies), type A9. Last evaluated: 2021-07-12. Review status: criteria provided, single submitter. Criteria: Invitae Variant Classification Sherloc (09022015). Collection method: clinical testing. Allele origin: germline.
Comment: This sequence change replaces lysine with asparagine at codon 303 of the DAG1 protein (p.Lys303Asn). The lysine residue is moderately conserved and there is a moderate physicochemical difference between lysine and asparagine. This variant is not present in population databases (ExAC no frequency). This variant has not been reported in the literature in individuals affected with DAG1-related conditions. Algorithms developed to predict the effect of missense changes on protein structure and function are either unavailable or do not agree on the potential impact of this missense change (SIFT: "Tolerated"; PolyPhen-2: "Probably Damaging"; Align-GVGD: "Class C0"). In summary, the available evidence is currently insufficient to determine the role of this variant in disease. Therefore, it has been classified as a Variant of Uncertain Significance.